The following is an entry in ClinVar:

ClinVar aggregate classification (germline): Uncertain significance. Review status: criteria provided, multiple submitters, no conflicts (2 of 4 stars). 2 submissions from 2 submitters: Uncertain significance (2). Last evaluated 2025-04-27.

Conditions:
Hereditary cancer-predisposing syndrome. Also called: Neoplastic Syndromes, Hereditary; Tumor predisposition; Hereditary Cancer Syndrome; Hereditary neoplastic syndrome. Identifiers: Orphanet 140162, MedGen C0027672, MeSH D009386, MONDO:0015356.

Submissions (2):

Labcorp Genetics (formerly Invitae), Labcorp
Classification: Uncertain significance. Last evaluated: 2025-04-27. Review status: criteria provided, single submitter. Criteria: Invitae Variant Classification Sherloc (09022015). Collection method: clinical testing. Allele origin: germline.
Comment: This sequence change replaces leucine, which is neutral and non-polar, with arginine, which is basic and polar, at codon 1451 of the POLE protein (p.Leu1451Arg). This variant is not present in population databases (gnomAD no frequency). This variant has not been reported in the literature in individuals affected with POLE-related conditions. ClinVar contains an entry for this variant (Variation ID: 648427). Invitae Evidence Modeling of protein sequence and biophysical properties (such as structural, functional, and spatial information, amino acid conservation, physicochemical variation, residue mobility, and thermodynamic stability) indicates that this missense variant is not expected to disrupt POLE protein function with a negative predictive value of 80%. In summary, the available evidence is currently insufficient to determine the role of this variant in disease. Therefore, it has been classified as a Variant of Uncertain Significance.

Ambry Genetics
Classification: Uncertain significance for Hereditary cancer-predisposing syndrome. Last evaluated: 2023-06-17. Review status: criteria provided, single submitter. Criteria: Ambry Variant Classification Scheme 2023. Collection method: clinical testing. Allele origin: germline.
Comment: The p.L1451R variant (also known as c.4352T>G), located in coding exon 34 of the POLE gene, results from a T to G substitution at nucleotide position 4352. The leucine at codon 1451 is replaced by arginine, an amino acid with dissimilar properties. This amino acid position is conserved. In addition, this alteration is predicted to be tolerated by in silico analysis. Since supporting evidence is limited at this time, the clinical significance of this alteration remains unclear.

NM_006231.4(POLE):c.4352T>G (p.Leu1451Arg)

Gene: POLE (DNA polymerase epsilon, catalytic subunit; minus strand). Cytogenetic location: 12q24.33.
Variant type: single nucleotide variant.
Coding change: c.4352T>G on transcript NM_006231.4 (MANE Select); coding-DNA position 4352, T replaced by G.
Protein change: p.Leu1451Arg; replaces leucine 1451 with arginine.
Molecular consequence: missense variant.
Genome position (GRCh38, 1-based): chr12:132,643,499, A>C on the plus strand (T>G on the coding strand, the complement: POLE is on the minus strand). VCF-style: chr12-132643499-A-C. GRCh37 (hg19) VCF-style: chr12-133220085-A-C.
Other names: c.4352T>G (NM_006231.2); short protein forms L1451R.
Identifiers: ClinVar variation 648427 (VCV000648427.10), dbSNP rs1593734779, ClinGen allele CA387381334.